The following is an entry in ClinVar:

ClinVar aggregate classification (germline): Likely pathogenic (1 of 4 stars; one submission).

Conditions:
Retinoblastoma (RB1). Also called: RETINOBLASTOMA, SOMATIC. Identifiers: Orphanet 790, MedGen C0035335, MeSH D012175, MONDO:0008380, OMIM 180200, HP:0009919. Disease mechanism: loss of function. Inheritance: Both sporadic and heritable forms are tested..

Submission:

Diller/Parad Lab, Dana-Farber/Harvard Cancer Center
Classification: Likely pathogenic for Retinoblastoma. Last evaluated: 2026-05-29. Review status: criteria provided, single submitter. Criteria: ACMG Guidelines, 2015. Collection method: research. Allele origin: germline. Affected: yes.
Comment: It has been classified as Likely Pathogenic using Richards et al (PMID:25741868) based on the following evidence codes: PM2, PVS1.

NM_000321.3(RB1):c.1996del (p.Cys666fs)

Gene: RB1 (RB transcriptional corepressor 1; plus strand). Cytogenetic location: 13q14.2.
Variant type: Deletion.
Coding change: c.1996del on transcript NM_000321.3 (MANE Select); coding-DNA position 1996, one base deleted (T; older notation c.1996delT).
Protein change: p.Cys666fs; shifts the reading frame from cysteine 666.
Molecular consequence: frameshift variant.
Genome position (GRCh38, 1-based): chr13:48,459,723, T deleted; the last of 3 consecutive T bases (chr13:48,459,721-48,459,723); deleting any one gives the same sequence. VCF-style (leftmost placement, unchanged base first): chr13-48459720-CT-C. GRCh37 (hg19) VCF-style: chr13-49033856-CT-C.
Other names: c.1996del, p.Cys666fs (NM_001407165.1); short protein forms C666fs.
Identifiers: ClinVar variation 4884453 (VCV004884453.1).